The following is an entry in ClinVar:

ClinVar aggregate classification (germline): Likely benign. Review status: criteria provided, multiple submitters, no conflicts (2 of 4 stars). 4 submissions from 4 submitters: Likely benign (3). 1 of the submissions does not count toward it. Last evaluated 2026-01-27.

Conditions:
RXYLT1-related disorder. Also called: RXYLT1-related condition.

Allele frequency attached by ClinVar (database versions not stated): TOPMed 0.00011; ExAC 0.00004; gnomAD exomes 0.00008 and 0.00011; gnomAD 0.00011.
gnomAD v4.1: 167 of 1,582,980 alleles (0.011%); highest among the groups gnomAD compares: Non-Finnish European, 0.014%; no homozygotes.

Submissions (4):

Labcorp Genetics (formerly Invitae), Labcorp
Classification: Likely benign. Last evaluated: 2026-01-27. Review status: criteria provided, single submitter. Criteria: Invitae Variant Classification Sherloc (09022015). Collection method: clinical testing. Allele origin: germline.

CeGaT Center for Human Genetics Tuebingen
Classification: Likely benign. Last evaluated: 2022-05-01. Review status: criteria provided, single submitter. Criteria: CeGaT Center For Human Genetics Tuebingen Variant Classification Criteria Version 2. Collection method: clinical testing. Allele origin: germline. Affected: yes. Observed: 1 variant allele.
Comment: RXYLT1: BP4, BP7

GeneDx
Classification: Likely benign. Last evaluated: 2018-01-18. Review status: criteria provided, single submitter. Criteria: GeneDx Variant Classification (06012015). Collection method: clinical testing. Allele origin: germline. Affected: yes.
Comment: This variant is considered likely benign or benign based on one or more of the following criteria: it is a conservative change, it occurs at a poorly conserved position in the protein, it is predicted to be benign by multiple in silico algorithms, and/or has population frequency not consistent with disease.

PreventionGenetics, part of Exact Sciences
Classification: Likely benign for RXYLT1-related condition. Last evaluated: 2022-11-07. Review status: no assertion criteria provided. Collection method: clinical testing. Allele origin: germline. Not counted in ClinVar's aggregate classification.
Comment: This variant is classified as likely benign based on ACMG/AMP sequence variant interpretation guidelines (Richards et al. 2015 PMID: 25741868, with internal and published modifications).

NM_014254.3(RXYLT1):c.1272G>A (p.Glu424=)

Genes: RXYLT1 (ribitol xylosyltransferase 1; plus strand), RXYLT1-AS1 (RXYLT1 antisense RNA 1; minus strand). Cytogenetic location: 12q14.2.
Variant type: single nucleotide variant.
Coding change: c.1272G>A on transcript NM_014254.3 (MANE Select); coding-DNA position 1272, G replaced by A.
Protein change: p.Glu424=; no amino-acid change (glutamic acid 424 retained).
Molecular consequence: synonymous variant.
Genome position (GRCh38, 1-based): chr12:63,809,032, G>A. VCF-style: chr12-63809032-G-A. GRCh37 (hg19) VCF-style: chr12-64202812-G-A.
Other names: c.492G>A, p.Glu164= (NM_001278237.2).
Identifiers: ClinVar variation 473412 (VCV000473412.34), dbSNP rs536862073, ClinGen allele CA6666266.